The following is an entry in ClinVar:

ClinVar aggregate classification (germline): Uncertain significance (1 of 4 stars; one submission).

Allele frequency attached by ClinVar (database versions not stated): gnomAD 0.00002; TOPMed 0.00003; gnomAD exomes 0.00009; ExAC 0.00012; 1000 Genomes Project 30x 0.00016; 1000 Genomes Project 0.00020.
gnomAD v4.1: 142 of 1,613,762 alleles (0.0088%); highest among the groups gnomAD compares: Non-Finnish European, 0.0097%; no homozygotes.

Submission:

Labcorp Genetics (formerly Invitae), Labcorp
Classification: Uncertain significance. Last evaluated: 2024-10-07. Review status: criteria provided, single submitter. Criteria: Invitae Variant Classification Sherloc (09022015). Collection method: clinical testing. Allele origin: germline.
Comment: This sequence change replaces tyrosine, which is neutral and polar, with cysteine, which is neutral and slightly polar, at codon 584 of the RTTN protein (p.Tyr584Cys). This variant is present in population databases (rs200801705, gnomAD 0.02%). This variant has not been reported in the literature in individuals affected with RTTN-related conditions. ClinVar contains an entry for this variant (Variation ID: 1430484). Invitae Evidence Modeling of protein sequence and biophysical properties (such as structural, functional, and spatial information, amino acid conservation, physicochemical variation, residue mobility, and thermodynamic stability) indicates that this missense variant is not expected to disrupt RTTN protein function with a negative predictive value of 80%. In summary, the available evidence is currently insufficient to determine the role of this variant in disease. Therefore, it has been classified as a Variant of Uncertain Significance.

NM_173630.4(RTTN):c.1751A>G (p.Tyr584Cys)

Gene: RTTN (rotatin; minus strand). Cytogenetic location: 18q22.2.
Variant type: single nucleotide variant.
Coding change: c.1751A>G on transcript NM_173630.4 (MANE Select); coding-DNA position 1751, A replaced by G.
Protein change: p.Tyr584Cys; replaces tyrosine 584 with cysteine.
Molecular consequence: missense variant. On other transcripts: 5 prime UTR variant (1).
Genome position (GRCh38, 1-based): chr18:70,166,970, T>C on the plus strand (A>G on the coding strand, the complement: RTTN is on the minus strand). VCF-style: chr18-70166970-T-C. GRCh37 (hg19) VCF-style: chr18-67834206-T-C.
Other names: c.-897A>G (NM_001318520.2); short protein forms Y584C.
Identifiers: ClinVar variation 1430484 (VCV001430484.5), dbSNP rs200801705, ClinGen allele CA8996093.
Genomic context (GRCh38, chr18:70,166,970, plus strand): 5'-AAATATTACATCTTTGAACAAATGCTGATGATTTCCTTTATTAGCGGGAAATGCTGATGA[T>C]AGGAAAAGCTACGCAAGGCTTGGTCTGCCAGCTCCACTAATTCTAAGAGATTCTTCTCTC-3'
Protein context (NP_775901.3, residues 574-594): LADQALRSFS[Tyr584Cys]HQHFPLIKEI